The following is an entry in ClinVar:

NM_015274.3(MAN2B2):c.2702-55A>G

Genes: MAN2B2 (mannosidase alpha class 2B member 2; plus strand), MRFAP1-AS1 (MRFAP1 antisense RNA 1; minus strand). Cytogenetic location: 4p16.1.
Variant type: single nucleotide variant.
Coding change: c.2702-55A>G on transcript NM_015274.3 (MANE Select); 55 bases into the intron before coding-DNA position 2702, A replaced by G.
Molecular consequence: intron variant.
Genome position (GRCh38, 1-based): chr4:6,617,325, A>G. VCF-style: chr4-6617325-A-G. GRCh37 (hg19) VCF-style: chr4-6619052-A-G.
Other names: c.2549-55A>G (NM_001292038.2).
Identifiers: ClinVar variation 2688048 (VCV002688048.2), dbSNP rs4689488, ClinGen allele CA11805966.

ClinVar aggregate classification (germline): Benign (1 of 4 stars; one submission).

Allele frequency attached by ClinVar (database versions not stated): 1000 Genomes Project 30x 0.79825; 1000 Genomes Project 0.80691; TOPMed 0.83063; gnomAD 0.84557; gnomAD exomes 0.97033.

Submission:

Unidad de Genómica Garrahan, Hospital de Pediatría Garrahan
Classification: Benign. Last evaluated: 2024-01-24. Review status: criteria provided, single submitter. Criteria: ACMG Guidelines, 2015. Collection method: clinical testing. Allele origin: germline. Affected: no. Observed: 95 variant alleles.
Comment: This variant is classified as Benign based on local population frequency. This variant was detected in 100% of patients studied by a panel of primary immunodeficiencies. Number of patients: 95. Only high quality variants are reported.